The following is an entry in ClinVar:

NM_016203.4(PRKAG2):c.1039G>A (p.Glu347Lys)

Gene: PRKAG2 (protein kinase AMP-activated non-catalytic subunit gamma 2; minus strand). Cytogenetic location: 7q36.1.
Variant type: single nucleotide variant.
Coding change: c.1039G>A on transcript NM_016203.4 (MANE Select); coding-DNA position 1039, G replaced by A.
Protein change: p.Glu347Lys; replaces glutamic acid 347 with lysine.
Molecular consequence: missense variant.
Genome position (GRCh38, 1-based): chr7:151,572,676, C>T on the plus strand (G>A on the coding strand, the complement: PRKAG2 is on the minus strand). VCF-style: chr7-151572676-C-T. GRCh37 (hg19) VCF-style: chr7-151269762-C-T.
Other names: c.1039G>A (NM_016203.3); c.667G>A, p.Glu223Lys (NM_001407028.1, NM_001363698.2); c.664G>A, p.Glu222Lys (NM_001407029.1, NM_001304527.2); c.751G>A, p.Glu251Lys (NM_001407030.1); c.748G>A, p.Glu250Lys (NM_001407031.1); c.721G>A, p.Glu241Lys (NM_001407032.1); c.715G>A, p.Glu239Lys (NM_001407033.1); c.316G>A, p.Glu106Lys (NM_001407034.1, NM_001407035.1, NM_001304531.2 and 1 more transcripts); and 7 more; short protein forms E223K, E347K, E105K, E222K, E250K, E302K, E122K, E126K.
Identifiers: ClinVar variation 3708084 (VCV003708084.3).

ClinVar aggregate classification (germline): Uncertain significance. Review status: criteria provided, multiple submitters, no conflicts (2 of 4 stars). 2 submissions from 2 submitters: Uncertain significance (2). Last evaluated 2026-07-10.

Conditions:
Lethal congenital glycogen storage disease of heart. Also called: GLYCOGEN STORAGE DISEASE OF HEART; PHOSPHORYLASE KINASE DEFICIENCY OF HEART. Identifiers: Orphanet 439854, MedGen C1849813, MONDO:0009867, OMIM 261740.
Cardiovascular phenotype. Identifiers: MedGen CN230736.

gnomAD v4.1: 2 of 1,598,480 alleles (0.00013%); highest among the groups gnomAD compares: Non-Finnish European, 0.00017%; no homozygotes.

Submissions (2):

Ambry Genetics
Classification: Uncertain significance for Cardiovascular phenotype. Last evaluated: 2026-07-10. Review status: criteria provided, single submitter. Criteria: Ambry Variant Classification Scheme 2023. Collection method: clinical testing. Allele origin: germline.
Comment: The p.E347K variant (also known as c.1039G>A), located in coding exon 9 of the PRKAG2 gene, results from a G to A substitution at nucleotide position 1039. The glutamic acid at codon 347 is replaced by lysine, an amino acid with similar properties. This amino acid position is conserved. In addition, this alteration is predicted to be deleterious by in silico analysis. Based on the available evidence, the clinical significance of this variant remains unclear.

Labcorp Genetics (formerly Invitae), Labcorp
Classification: Uncertain significance for Lethal congenital glycogen storage disease of heart. Last evaluated: 2024-06-19. Review status: criteria provided, single submitter. Criteria: Invitae Variant Classification Sherloc (09022015). Collection method: clinical testing. Allele origin: germline.
Comment: This sequence change replaces glutamic acid, which is acidic and polar, with lysine, which is basic and polar, at codon 347 of the PRKAG2 protein (p.Glu347Lys). This variant is present in population databases (no rsID available, gnomAD 0.0009%). This variant has not been reported in the literature in individuals affected with PRKAG2-related conditions. Advanced modeling of protein sequence and biophysical properties (such as structural, functional, and spatial information, amino acid conservation, physicochemical variation, residue mobility, and thermodynamic stability) has been performed at Invitae for this missense variant, however the output from this modeling did not meet the statistical confidence thresholds required to predict the impact of this variant on PRKAG2 protein function. In summary, the available evidence is currently insufficient to determine the role of this variant in disease. Therefore, it has been classified as a Variant of Uncertain Significance.